The following is an entry in ClinVar:

ClinVar aggregate classification (germline): Uncertain significance (1 of 4 stars; one submission).

Submission:

Labcorp Genetics (formerly Invitae), Labcorp
Classification: Uncertain significance. Last evaluated: 2024-05-27. Review status: criteria provided, single submitter. Criteria: Invitae Variant Classification Sherloc (09022015). Collection method: clinical testing. Allele origin: germline.
Comment: This sequence change replaces threonine, which is neutral and polar, with valine, which is neutral and non-polar, at codon 103 of the COQ7 protein (p.Thr103Val). Information on the frequency of this variant in the gnomAD database is not available, as this variant may be reported differently in the database. This variant has not been reported in the literature in individuals affected with COQ7-related conditions. An algorithm developed to predict the effect of missense changes on protein structure and function (PolyPhen-2) suggests that this variant is likely to be tolerated. In summary, the available evidence is currently insufficient to determine the role of this variant in disease. Therefore, it has been classified as a Variant of Uncertain Significance.

NM_016138.5(COQ7):c.307_308inv (p.Thr103Val)

Gene: COQ7 (coenzyme Q7, hydroxylase; plus strand). Cytogenetic location: 16p12.3.
Variant type: Inversion.
Coding change: c.307_308inv on transcript NM_016138.5 (MANE Select).
Protein change: p.Thr103Val; replaces threonine 103 with valine.
Molecular consequence: missense variant. On other transcripts: non-coding transcript variant (2).
Genome position: GRCh38 VCF-style: chr16-19073975-AC-GT. GRCh37 (hg19) VCF-style: chr16-19085297-AC-GT.
Other names: c.193_194inv, p.Thr65Val (NM_001190983.2, NM_001370492.1, NM_001370493.1 and 2 more transcripts); c.265_266inv, p.Thr89Val (NM_001370489.1, NM_001370491.1); c.307_308inv, p.Thr103Val (NM_001370490.1); short protein forms T103V, T65V, T89V.
Identifiers: ClinVar variation 3681701 (VCV003681701.2).